The following is an entry in ClinVar:

NM_001134673.4(NFIA):c.255C>T (p.Pro85=)

Gene: NFIA (nuclear factor I A; plus strand). Cytogenetic location: 1p31.3.
Variant type: single nucleotide variant.
Coding change: c.255C>T on transcript NM_001134673.4 (MANE Select); coding-DNA position 255, C replaced by T.
Protein change: p.Pro85=; no amino-acid change (proline 85 retained).
Molecular consequence: synonymous variant.
Genome position (GRCh38, 1-based): chr1:61,088,376, C>T. VCF-style: chr1-61088376-C-T. GRCh37 (hg19) VCF-style: chr1-61554048-C-T.
Other names: c.231C>T, p.Pro77= (NM_001145511.2); c.390C>T, p.Pro130= (NM_001145512.2); c.255C>T, p.Pro85= (NM_005595.5).
Identifiers: ClinVar variation 767675 (VCV000767675.34), dbSNP rs41289414, ClinGen allele CA880923.

ClinVar aggregate classification (germline): Benign/Likely benign. Review status: criteria provided, multiple submitters, no conflicts (2 of 4 stars). 3 submissions from 3 submitters: Benign (2); Likely benign (1). Last evaluated 2026-08-01.

Allele frequency attached by ClinVar (database versions not stated): 1000 Genomes Project 30x 0.00156; 1000 Genomes Project 0.00160; ESP Exome Variant Server 0.00323; TOPMed 0.00333; ExAC 0.00474; gnomAD exomes 0.00538; gnomAD 0.00541 and 0.00604.
gnomAD v4.1: 8,415 of 1,613,606 alleles (0.52%); highest among the groups gnomAD compares: Non-Finnish European, 0.51%; 57 homozygotes.

Submissions (3):

CeGaT Center for Human Genetics Tuebingen
Classification: Likely benign. Last evaluated: 2026-08-01. Review status: criteria provided, single submitter. Criteria: CeGaT Center For Human Genetics Tuebingen Variant Classification Criteria Version 2. Collection method: clinical testing. Allele origin: germline. Affected: yes. Observed: 18 variant alleles.
Comment: NFIA: BP4, BP7, BS2

Labcorp Genetics (formerly Invitae), Labcorp
Classification: Benign. Last evaluated: 2026-01-17. Review status: criteria provided, single submitter. Criteria: Invitae Variant Classification Sherloc (09022015). Collection method: clinical testing. Allele origin: germline.

Breakthrough Genomics
Classification: Benign. Review status: criteria provided, single submitter. Criteria: ACMG Guidelines, 2015. Collection method: not provided. Allele origin: germline. Inheritance: Autosomal dominant inheritance. Affected: yes.